The following is an entry in ClinVar:

NM_006269.2(RP1):c.278C>A (p.Thr93Lys)

Gene: RP1 (RP1 axonemal microtubule associated; plus strand). Cytogenetic location: 8q12.1.
Variant type: single nucleotide variant.
Coding change: c.278C>A on transcript NM_006269.2 (MANE Select); coding-DNA position 278, C replaced by A.
Protein change: p.Thr93Lys; replaces threonine 93 with lysine.
Molecular consequence: missense variant.
Genome position (GRCh38, 1-based): chr8:54,621,244, C>A. VCF-style: chr8-54621244-C-A. GRCh37 (hg19) VCF-style: chr8-55533804-C-A.
Other names: c.278C>A, p.Thr93Lys (NM_001375654.1); short protein forms T93K.
Identifiers: ClinVar variation 852572 (VCV000852572.11), dbSNP rs139533342, ClinGen allele CA4751104.
Genomic context (GRCh38, chr8:54,621,244, plus strand): 5'-AGGTGCCCCTCCCTTTTGGAGTGAGGAACATCAGCACCCCTCGGGGCAGGCACAGCATCA[C>A]GCGCCTGGAGGAGCTGGAGGACGGCGAGTCCTACCTATGTTCCCACGGCAGGAAGGTGCA-3'
Protein context (NP_006260.1, residues 83-103): ISTPRGRHSI[Thr93Lys]RLEELEDGES

ClinVar aggregate classification (germline): Uncertain significance. Review status: criteria provided, multiple submitters, no conflicts (2 of 4 stars). 2 submissions from 2 submitters: Uncertain significance (2). Last evaluated 2025-08-07.

Allele frequency attached by ClinVar (database versions not stated): gnomAD exomes 0.00002 and 0.00007; ExAC 0.00008; gnomAD 0.00021 and 0.00023; TOPMed 0.00023; 1000 Genomes Project 0.00040; 1000 Genomes Project 30x 0.00047.
gnomAD v4.1: 61 of 1,614,150 alleles (0.0038%); highest among the groups gnomAD compares: African/African-American, 0.063%; no homozygotes.

Submissions (2):

Labcorp Genetics (formerly Invitae), Labcorp
Classification: Uncertain significance. Last evaluated: 2025-08-07. Review status: criteria provided, single submitter. Criteria: Invitae Variant Classification Sherloc (09022015). Collection method: clinical testing. Allele origin: germline.
Comment: This sequence change replaces threonine, which is neutral and polar, with lysine, which is basic and polar, at codon 93 of the RP1 protein (p.Thr93Lys). This variant is present in population databases (rs139533342, gnomAD 0.07%). This missense change has been observed in individual(s) with retinal dystrophy (PMID: 32579692). ClinVar contains an entry for this variant (Variation ID: 852572). An algorithm developed to predict the effect of missense changes on protein structure and function (PolyPhen-2) suggests that this variant is likely to be disruptive. In summary, the available evidence is currently insufficient to determine the role of this variant in disease. Therefore, it has been classified as a Variant of Uncertain Significance.

Blueprint Genetics
Classification: Uncertain significance. Last evaluated: 2022-11-07. Review status: criteria provided, single submitter. Criteria: ACMG Guidelines, 2015. Collection method: clinical testing. Allele origin: germline.

Literature cited by the submitters: PubMed 32579692 (cited by Labcorp Genetics (formerly Invitae), Labcorp).